The following is an entry in ClinVar:

NM_001036.6(RYR3):c.3233G>A (p.Arg1078Gln)

Gene: RYR3 (ryanodine receptor 3; plus strand). Cytogenetic location: 15q14.
Variant type: single nucleotide variant.
Coding change: c.3233G>A on transcript NM_001036.6 (MANE Select); coding-DNA position 3233, G replaced by A.
Protein change: p.Arg1078Gln; replaces arginine 1078 with glutamine.
Molecular consequence: missense variant.
Genome position (GRCh38, 1-based): chr15:33,635,671, G>A. VCF-style: chr15-33635671-G-A. GRCh37 (hg19) VCF-style: chr15-33927872-G-A.
Other names: c.3233G>A, p.Arg1078Gln (NM_001243996.4); c.3233G>A (NM_001036.3); short protein forms R1078Q.
Identifiers: ClinVar variation 998898 (VCV000998898.9), dbSNP rs754630341, ClinGen allele CA7458654.
Genomic context (GRCh38, chr15:33,635,671, plus strand): 5'-TAGCTGACTCGGCTGTGGAGAAGGTCAGCATAGACAAGATCCGATTTTTCCGGGTAGAGC[G>A]ATCTTATGCAGTGAGATCTGGAAAGTGGTATTTTGAGTTTGAAGTGGTGACTGGAGGAGA-3'
Protein context (NP_001027.3, residues 1068-1088): IDKIRFFRVE[Arg1078Gln]SYAVRSGKWY

ClinVar aggregate classification (germline): Uncertain significance. Review status: criteria provided, multiple submitters, no conflicts (2 of 4 stars). 2 submissions from 2 submitters: Uncertain significance (2). Last evaluated 2022-04-21.

Conditions:
Epileptic encephalopathy. Identifiers: MedGen C0543888, HP:0200134.

Allele frequency attached by ClinVar (database versions not stated): gnomAD exomes below 0.00001; TOPMed below 0.00001; ExAC 0.00001; gnomAD 0.00001.
gnomAD v4.1: 13 of 1,613,868 alleles (0.00081%); highest among the groups gnomAD compares: Middle Eastern, 0.033%; no homozygotes.

Submissions (2):

Ambry Genetics
Classification: Uncertain significance. Last evaluated: 2022-04-21. Review status: criteria provided, single submitter. Criteria: Ambry Variant Classification Scheme 2023. Collection method: clinical testing. Allele origin: germline.

Labcorp Genetics (formerly Invitae), Labcorp
Classification: Uncertain significance for Epileptic encephalopathy. Last evaluated: 2020-05-11. Review status: criteria provided, single submitter. Criteria: Invitae Variant Classification Sherloc (09022015). Collection method: clinical testing. Allele origin: germline.
Comment: In summary, the available evidence is currently insufficient to determine the role of this variant in disease. Therefore, it has been classified as a Variant of Uncertain Significance. Algorithms developed to predict the effect of missense changes on protein structure and function output the following: SIFT: "Tolerated"; PolyPhen-2: "Benign"; Align-GVGD: "Class C0". The glutamine amino acid residue is found in multiple mammalian species, suggesting that this missense change does not adversely affect protein function. These predictions have not been confirmed by published functional studies and their clinical significance is uncertain. This variant has not been reported in the literature in individuals with RYR3-related conditions. This variant is present in population databases (rs754630341, ExAC 0.002%). This sequence change replaces arginine with glutamine at codon 1078 of the RYR3 protein (p.Arg1078Gln). The arginine residue is moderately conserved and there is a small physicochemical difference between arginine and glutamine.